The following is an entry in ClinVar:

ClinVar aggregate classification (germline): Likely benign (1 of 4 stars; one submission).

gnomAD v4.1: 62 of 1,612,898 alleles (0.0038%); highest among the groups gnomAD compares: East Asian, 0.13%; no homozygotes.

Submission:

CeGaT Center for Human Genetics Tuebingen
Classification: Likely benign. Last evaluated: 2025-10-01. Review status: criteria provided, single submitter. Criteria: CeGaT Center For Human Genetics Tuebingen Variant Classification Criteria Version 2. Collection method: clinical testing. Allele origin: germline. Affected: yes. Observed: 1 variant allele.
Comment: DOT1L: BP4, BS2

NM_032482.3(DOT1L):c.1764C>G (p.Asp588Glu)

Genes: DOT1L (DOT1 like histone lysine methyltransferase; plus strand), DOT1L-AS1 (DOT1L antisense RNA 1; minus strand). Cytogenetic location: 19p13.3.
Variant type: single nucleotide variant.
Coding change: c.1764C>G on transcript NM_032482.3 (MANE Select); coding-DNA position 1764, C replaced by G.
Protein change: p.Asp588Glu; replaces aspartic acid 588 with glutamic acid.
Molecular consequence: missense variant.
Genome position (GRCh38, 1-based): chr19:2,213,953, C>G. VCF-style: chr19-2213953-C-G. GRCh37 (hg19) VCF-style: chr19-2213952-C-G.
Other names: c.1764C>G, p.Asp588Glu (NM_001411141.1); short protein forms D588E.
Identifiers: ClinVar variation 4534119 (VCV004534119.6).